The following is an entry in ClinVar:

NR_003051.4(RMRP):n.114_115insCC

Gene: RMRP (RNA component of mitochondrial RNA processing endoribonuclease; minus strand). Cytogenetic location: 9p13.3.
Variant type: Insertion.
Genome position: GRCh38 VCF-style: chr9-35657904-C-CGG. GRCh37 (hg19) VCF-style: chr9-35657901-C-CGG.
Identifiers: ClinVar variation 836121 (VCV000836121.6), dbSNP rs1823617443, ClinGen allele CA916080407.

ClinVar aggregate classification (germline): Uncertain significance (1 of 4 stars; one submission).

Conditions:
Anauxetic dysplasia. Identifiers: Orphanet 93347, MedGen C1846796, MONDO:0011773.

Submission:

Labcorp Genetics (formerly Invitae), Labcorp
Classification: Uncertain significance for Anauxetic dysplasia. Last evaluated: 2024-10-28. Review status: criteria provided, single submitter. Criteria: Invitae Variant Classification Sherloc (09022015). Collection method: clinical testing. Allele origin: germline.
Comment: This variant occurs in the RMRP gene, which encodes an RNA molecule that does not result in a protein product. This variant is not present in population databases (gnomAD no frequency). This variant has not been reported in the literature in individuals affected with RMRP-related conditions. ClinVar contains an entry for this variant (Variation ID: 836121). Experimental studies and prediction algorithms are not available or were not evaluated, and the functional significance of this variant is currently unknown. In summary, the available evidence is currently insufficient to determine the role of this variant in disease. Therefore, it has been classified as a Variant of Uncertain Significance.